The following is an entry in ClinVar:

ClinVar aggregate classification (germline): Uncertain significance (1 of 4 stars; one submission).

Conditions:
Autosomal dominant polycystic kidney disease. Identifiers: Orphanet 730, MedGen C0085413, MONDO:0004691.

Submission:

Labcorp Genetics (formerly Invitae), Labcorp
Classification: Uncertain significance for Autosomal dominant polycystic kidney disease. Last evaluated: 2023-12-07. Review status: criteria provided, single submitter. Criteria: Invitae Variant Classification Sherloc (09022015). Collection method: clinical testing. Allele origin: germline.
Comment: This sequence change replaces glycine, which is neutral and non-polar, with alanine, which is neutral and non-polar, at codon 449 of the PKD2 protein (p.Gly449Ala). This variant is not present in population databases (gnomAD no frequency). This variant has not been reported in the literature in individuals affected with PKD2-related conditions. Advanced modeling of protein sequence and biophysical properties (such as structural, functional, and spatial information, amino acid conservation, physicochemical variation, residue mobility, and thermodynamic stability) performed at Invitae indicates that this missense variant is expected to disrupt PKD2 protein function with a positive predictive value of 80%. In summary, the available evidence is currently insufficient to determine the role of this variant in disease. Therefore, it has been classified as a Variant of Uncertain Significance.

NM_000297.4(PKD2):c.1346G>C (p.Gly449Ala)

Gene: PKD2 (polycystin 2, transient receptor potential cation channel; plus strand). Cytogenetic location: 4q22.1.
Variant type: single nucleotide variant.
Coding change: c.1346G>C on transcript NM_000297.4 (MANE Select); coding-DNA position 1346, G replaced by C.
Protein change: p.Gly449Ala; replaces glycine 449 with alanine.
Molecular consequence: missense variant. On other transcripts: non-coding transcript variant (1).
Genome position (GRCh38, 1-based): chr4:88,046,668, G>C. VCF-style: chr4-88046668-G-C. GRCh37 (hg19) VCF-style: chr4-88967820-G-C.
Other names: short protein forms G449A.
Identifiers: ClinVar variation 2701359 (VCV002701359.3), dbSNP rs1131408, ClinGen allele CA357618521.